The following is an entry in ClinVar:

NM_017636.4(TRPM4):c.995G>A (p.Arg332Gln)

Gene: TRPM4 (transient receptor potential cation channel subfamily M member 4; plus strand). Cytogenetic location: 19q13.33.
Variant type: single nucleotide variant.
Coding change: c.995G>A on transcript NM_017636.4 (MANE Select); coding-DNA position 995, G replaced by A.
Protein change: p.Arg332Gln; replaces arginine 332 with glutamine.
Molecular consequence: missense variant. On other transcripts: 5 prime UTR variant (1).
Genome position (GRCh38, 1-based): chr19:49,171,714, G>A. VCF-style: chr19-49171714-G-A. GRCh37 (hg19) VCF-style: chr19-49674971-G-A.
Other names: c.995G>A (NM_017636.3); c.995G>A, p.Arg332Gln (NM_001195227.2); c.650G>A, p.Arg217Gln (NM_001321281.2); c.-559G>A (NM_001321282.2); c.473G>A, p.Arg158Gln (NM_001321283.2); c.146G>A, p.Arg49Gln (NM_001321285.2); short protein forms R217Q, R158Q, R332Q, R49Q.
Identifiers: ClinVar variation 2083266 (VCV002083266.5), dbSNP rs757286692, ClinGen allele CA9569034.
Genomic context (GRCh38, chr19:49,171,714, plus strand): 5'-CGGAGACCCTGGAAGACACTCTGGCCCCAGGGAGTGGGGGAGCCAGGCAAGGCGAAGCCC[G>A]AGATCGAATCAGGCGTTTCTTTCCCAAAGGGGACCTTGAGGTCCTGCAGGCCCAGGTATG-3'
Protein context (NP_060106.2, residues 322-342): GSGGARQGEA[Arg332Gln]DRIRRFFPKG

ClinVar aggregate classification (germline): Conflicting classifications of pathogenicity. Review status: criteria provided, conflicting classifications (1 of 4 stars). 2 submissions from 2 submitters: Uncertain significance (1); Likely benign (1). Last evaluated 2026-01-10.

Conditions:
Cardiovascular phenotype. Identifiers: MedGen CN230736.
Progressive familial heart block type IB (PFHB1B). Identifiers: Orphanet 871, MedGen C1970298, MONDO:0011474, OMIM 604559.

Allele frequency attached by ClinVar (database versions not stated): gnomAD 0.00001; gnomAD exomes 0.00001; TOPMed 0.00001; ExAC 0.00003.
gnomAD v4.1: 18 of 1,613,470 alleles (0.0011%); highest among the groups gnomAD compares: African/African-American, 0.0027%; no homozygotes.

Submissions (2):

Labcorp Genetics (formerly Invitae), Labcorp
Classification: Uncertain significance for Progressive familial heart block type IB. Last evaluated: 2026-01-10. Review status: criteria provided, single submitter. Criteria: Invitae Variant Classification Sherloc (09022015). Collection method: clinical testing. Allele origin: germline.
Comment: This sequence change replaces arginine, which is basic and polar, with glutamine, which is neutral and polar, at codon 332 of the TRPM4 protein (p.Arg332Gln). This variant is present in population databases (rs757286692, gnomAD 0.003%). This variant has not been reported in the literature in individuals affected with TRPM4-related conditions. ClinVar contains an entry for this variant (Variation ID: 2083266). An algorithm developed to predict the effect of missense changes on protein structure and function outputs the following: PolyPhen-2: "Benign". The glutamine amino acid residue is found in multiple mammalian species, which suggests that this missense change does not adversely affect protein function. In summary, the available evidence is currently insufficient to determine the role of this variant in disease. Therefore, it has been classified as a Variant of Uncertain Significance.

Ambry Genetics
Classification: Likely benign for Cardiovascular phenotype. Last evaluated: 2024-12-07. Review status: criteria provided, single submitter. Criteria: Ambry Variant Classification Scheme 2023. Collection method: clinical testing. Allele origin: germline.